The following is an entry in ClinVar:

ClinVar aggregate classification (germline): Uncertain significance (1 of 4 stars; one submission).

Conditions:
Tuberous sclerosis 2 (TSC2). Identifiers: Orphanet 805, MedGen C1860707, MONDO:0013199, OMIM 613254.

Submission:

Labcorp Genetics (formerly Invitae), Labcorp
Classification: Uncertain significance for Tuberous sclerosis 2. Last evaluated: 2024-05-21. Review status: criteria provided, single submitter. Criteria: Invitae Variant Classification Sherloc (09022015). Collection method: clinical testing. Allele origin: germline.
Comment: This sequence change replaces threonine, which is neutral and polar, with alanine, which is neutral and non-polar, at codon 771 of the TSC2 protein (p.Thr771Ala). This variant is not present in population databases (gnomAD no frequency). This variant has not been reported in the literature in individuals affected with TSC2-related conditions. Advanced modeling of protein sequence and biophysical properties (such as structural, functional, and spatial information, amino acid conservation, physicochemical variation, residue mobility, and thermodynamic stability) performed at Invitae indicates that this missense variant is not expected to disrupt TSC2 protein function with a negative predictive value of 95%. In summary, the available evidence is currently insufficient to determine the role of this variant in disease. Therefore, it has been classified as a Variant of Uncertain Significance.

NM_000548.5(TSC2):c.2311A>G (p.Thr771Ala)

Gene: TSC2 (TSC complex subunit 2; plus strand). Cytogenetic location: 16p13.3.
Variant type: single nucleotide variant.
Coding change: c.2311A>G on transcript NM_000548.5 (MANE Select); coding-DNA position 2311, A replaced by G.
Protein change: p.Thr771Ala; replaces threonine 771 with alanine.
Molecular consequence: missense variant. On other transcripts: non-coding transcript variant (5).
Genome position (GRCh38, 1-based): chr16:2,072,939, A>G. VCF-style: chr16-2072939-A-G. GRCh37 (hg19) VCF-style: chr16-2122940-A-G.
Other names: c.2311A>G, p.Thr771Ala (NM_001077183.3, NM_001114382.3, NM_001363528.2 and 6 more transcripts); c.2200A>G, p.Thr734Ala (NM_001318827.2, NM_001406670.1, NM_001406678.1); c.2164A>G, p.Thr722Ala (NM_001318829.2, NM_001406675.1, NM_001406676.1 and 1 more transcripts); c.1711A>G, p.Thr571Ala (NM_001318831.2, NM_001406682.1, NM_001406683.1 and 6 more transcripts); c.2344A>G, p.Thr782Ala (NM_001318832.2); c.2401A>G, p.Thr801Ala (NM_001406667.1, NM_001406668.1); c.1849A>G, p.Thr617Ala (NM_001406681.1); c.967A>G, p.Thr323Ala (NM_001406689.1, NM_001406690.1, NM_001406691.1 and 6 more transcripts); and 3 more; short protein forms T617A, T801A, T571A, T752A, T782A, T237A, T722A, T734A.
Identifiers: ClinVar variation 3637200 (VCV003637200.2).
Genomic context (GRCh38, chr16:2,072,939, plus strand): 5'-CGAGGCGCCCCAGAAGGCTTCTCCAGAACTGACTTGCACCTGGCCGTGGTTCCAGTGCTG[A>G]CAGCATTAATCTCTTACCATAACTACCTGGACAAAACCAAACAGGTAGGAGGTCAGAGCA-3'
Protein context (NP_000539.2, residues 761-781): DLHLAVVPVL[Thr771Ala]ALISYHNYLD